The following is an entry in ClinVar:

ClinVar aggregate classification (germline): Uncertain significance (1 of 4 stars; one submission).

Allele frequency attached by ClinVar (database versions not stated): gnomAD exomes below 0.00001.
gnomAD v4.1: 1 of 1,562,832 alleles (0.000064%); highest among the groups gnomAD compares: African/African-American, 0.0014%; no homozygotes.

Submission:

GeneDx
Classification: Uncertain significance. Last evaluated: 2022-05-16. Review status: criteria provided, single submitter. Criteria: GeneDx Variant Classification Process June 2021. Collection method: clinical testing. Allele origin: germline. Affected: yes.
Comment: Not observed at significant frequency in large population cohorts (gnomAD); In silico analysis supports that this missense variant has a deleterious effect on protein structure/function; Has not been previously published as pathogenic or benign to our knowledge

NM_001378452.1(ITPR1):c.8206A>G (p.Lys2736Glu)

Gene: ITPR1 (inositol 1,4,5-trisphosphate receptor type 1; plus strand). Cytogenetic location: 3p26.1.
Variant type: single nucleotide variant.
Coding change: c.8206A>G on transcript NM_001378452.1 (MANE Select); coding-DNA position 8206, A replaced by G.
Protein change: p.Lys2736Glu; replaces lysine 2736 with glutamic acid.
Molecular consequence: missense variant.
Genome position (GRCh38, 1-based): chr3:4,846,154, A>G. VCF-style: chr3-4846154-A-G. GRCh37 (hg19) VCF-style: chr3-4887838-A-G.
Other names: c.8062A>G, p.Lys2688Glu (NM_001099952.4); c.8161A>G, p.Lys2721Glu (NM_001168272.2); c.8017A>G, p.Lys2673Glu (NM_002222.7); short protein forms K2673E, K2688E, K2721E, K2736E.
Identifiers: ClinVar variation 1800532 (VCV001800532.1), dbSNP rs2470300594, ClinGen allele CA351794797.